The following is an entry in ClinVar:

NM_001009931.3(HRNR):c.5244G>C (p.Ser1748=)

Genes: CCDST (cervical cancer associated DHX9 suppressive transcript; plus strand), HRNR (hornerin; minus strand). Cytogenetic location: 1q21.3.
Variant type: single nucleotide variant.
Coding change: c.5244G>C on transcript NM_001009931.3 (MANE Select); coding-DNA position 5244, G replaced by C.
Protein change: p.Ser1748=; no amino-acid change (serine 1748 retained).
Molecular consequence: synonymous variant.
Genome position (GRCh38, 1-based): chr1:152,216,385, C>G on the plus strand (G>C on the coding strand, the complement: HRNR is on the minus strand). VCF-style: chr1-152216385-C-G. GRCh37 (hg19) VCF-style: chr1-152188861-C-G.
Identifiers: ClinVar variation 3770956 (VCV003770956.13).

ClinVar aggregate classification (germline): Likely benign (1 of 4 stars; one submission).

Submission:

CeGaT Center for Human Genetics Tuebingen
Classification: Likely benign. Last evaluated: 2025-01-01. Review status: criteria provided, single submitter. Criteria: CeGaT Center For Human Genetics Tuebingen Variant Classification Criteria Version 2. Collection method: clinical testing. Allele origin: germline. Affected: yes. Observed: 1 variant allele.
Comment: HRNR: BP4, BP7